The following is an entry in ClinVar:

ClinVar aggregate classification (germline): Conflicting classifications of pathogenicity. Review status: criteria provided, conflicting classifications (1 of 4 stars). 13 submissions from 13 submitters: Uncertain significance (6); Benign (1); Likely benign (4). 2 of the submissions do not count toward it. Last evaluated 2026-09-01.

Conditions:
Fanconi anemia complementation group P. Also called: SLX4-Related Fanconi Anemia. Identifiers: Orphanet 84, MedGen C3469542, MONDO:0013499, OMIM 613951.
SLX4-related disorder. Also called: SLX4-related condition.
Fanconi anemia (FA). Also called: Fanconi's anemia. Identifiers: Orphanet 84, MedGen C0015625, MeSH D005199, MONDO:0019391.

Allele frequency attached by ClinVar (database versions not stated): 1000 Genomes Project 30x 0.00016; 1000 Genomes Project 0.00020; ESP Exome Variant Server 0.00115; gnomAD exomes 0.00115 and 0.00126; gnomAD 0.00121 and 0.00125; ExAC 0.00122; TOPMed 0.00141.
gnomAD v4.1: 1,879 of 1,612,302 alleles (0.12%); highest among the groups gnomAD compares: Middle Eastern, 0.26%; 3 homozygotes.

Submissions (13):

CeGaT Center for Human Genetics Tuebingen
Classification: Likely benign. Last evaluated: 2026-09-01. Review status: criteria provided, single submitter. Criteria: CeGaT Center For Human Genetics Tuebingen Variant Classification Criteria Version 2. Collection method: clinical testing. Allele origin: germline. Affected: yes. Observed: 17 variant alleles.
Comment: SLX4: BP4, BS1

Labcorp Genetics (formerly Invitae), Labcorp
Classification: Benign for Fanconi anemia. Last evaluated: 2026-01-27. Review status: criteria provided, single submitter. Criteria: Invitae Variant Classification Sherloc (09022015). Collection method: clinical testing. Allele origin: germline.

Genomic Medicine Center of Excellence, King Faisal Specialist Hospital and Research Centre
Classification: Uncertain significance for Fanconi anemia complementation group P. Last evaluated: 2025-09-10. Review status: criteria provided, single submitter. Criteria: ACMG Guidelines, 2015. Collection method: clinical testing. Allele origin: germline.

Blueprint Genetics
Classification: Likely benign. Last evaluated: 2024-11-15. Review status: criteria provided, single submitter. Criteria: ACMG Guidelines, 2015. Collection method: clinical testing. Allele origin: germline.

ARUP Laboratories, Molecular Genetics and Genomics, ARUP Laboratories
Classification: Likely benign for Fanconi anemia complementation group P. Last evaluated: 2024-10-14. Review status: criteria provided, single submitter. Criteria: ARUP Molecular Germline Variant Investigation Process 2024. Collection method: clinical testing. Allele origin: germline.

GeneDx
Classification: Uncertain significance. Last evaluated: 2024-09-26. Review status: criteria provided, single submitter. Criteria: GeneDx Variant Classification Process June 2021. Collection method: clinical testing. Allele origin: germline. Affected: yes.
Comment: Published functional studies demonstrate cell growth similar to wild-type following exposure to Mitomycin C (PMID: 22911665); In silico analysis supports that this missense variant has a deleterious effect on protein structure/function; Observed in individuals with breast or ovarian cancer, but also in unaffected controls (PMID: 23211700, 22911665, 32546565); Observed in the homozygous state in a cohort of men with infertility (PMID: 36041235); This variant is associated with the following publications: (PMID: 23211700, 22911665, 23840564, 28678401, 32546565, 34426522, 36041235)

Institute for Clinical Genetics, University Hospital TU Dresden, University Hospital TU Dresden
Classification: Uncertain significance. Last evaluated: 2021-11-03. Review status: criteria provided, single submitter. Criteria: ACMG Guidelines, 2015. Collection method: clinical testing. Allele origin: germline.

Sema4
Classification: Likely benign for Fanconi anemia. Last evaluated: 2021-02-13. Review status: criteria provided, single submitter. Criteria: Sema4 Curation Guidelines. Collection method: curation. Allele origin: germline.

Baylor Genetics
Classification: Uncertain significance for Fanconi anemia complementation group P. Last evaluated: 2020-11-23. Review status: criteria provided, single submitter. Criteria: ACMG Guidelines, 2015. Collection method: clinical testing. Allele origin: unknown. Affected: yes. Study: CSER-TexasKidsCanSeq.
Comment: This variant was determined to be of uncertain significance according to ACMG Guidelines, 2015 [PMID:25741868].

Illumina Laboratory Services, Illumina
Classification: Uncertain significance for Fanconi anemia complementation group P. Last evaluated: 2017-04-28. Review status: criteria provided, single submitter. Criteria: ICSL Variant Classification Criteria 13 December 2019. Collection method: clinical testing. Allele origin: germline.
Comment: This variant was observed as part of a predisposition screen in an ostensibly healthy population. A literature search was performed for the gene, cDNA change, and amino acid change (where applicable). Publications were found based on this search. However, the evidence from the literature, in combination with allele frequency data from public databases where available, was not sufficient to rule this variant in or out of causing disease. Therefore, this variant is classified as a variant of unknown significance.

Genetic Services Laboratory, University of Chicago
Classification: Uncertain significance. Last evaluated: 2016-11-29. Review status: criteria provided, single submitter. Criteria: ACMG Guidelines, 2015. Collection method: clinical testing. Allele origin: germline. Affected: no.

PreventionGenetics, part of Exact Sciences
Classification: Likely benign for SLX4-related condition. Last evaluated: 2020-01-27. Review status: no assertion criteria provided. Collection method: clinical testing. Allele origin: germline. Not counted in ClinVar's aggregate classification.
Comment: This variant is classified as likely benign based on ACMG/AMP sequence variant interpretation guidelines (Richards et al. 2015 PMID: 25741868, with internal and published modifications).

Leiden Open Variation Database
Classification: Likely benign. Last evaluated: 2012-08-31. Review status: no assertion criteria provided. Collection method: curation. Allele origin: germline. Affected: yes. Not counted in ClinVar's aggregate classification.
Comment: Curator: Arleen D. Auerbach. Submitter to LOVD: Janine Bakker.

Literature cited by the submitters: PubMed 32546565 (cited by Sema4); PubMed 23840564 (cited by Sema4); PubMed 23211700 (cited by Sema4 and Illumina Laboratory Services, Illumina); PubMed 22911665 (cited by 3 submitters); PubMed 22383991 (cited by Illumina Laboratory Services, Illumina).

NM_032444.4(SLX4):c.2359G>A (p.Glu787Lys)

Gene: SLX4 (SLX4 structure-specific endonuclease subunit; minus strand). Cytogenetic location: 16p13.3.
Variant type: single nucleotide variant.
Coding change: c.2359G>A on transcript NM_032444.4 (MANE Select); coding-DNA position 2359, G replaced by A.
Protein change: p.Glu787Lys; replaces glutamic acid 787 with lysine.
Molecular consequence: missense variant.
Genome position (GRCh38, 1-based): chr16:3,591,279, C>T on the plus strand (G>A on the coding strand, the complement: SLX4 is on the minus strand). VCF-style: chr16-3591279-C-T. GRCh37 (hg19) VCF-style: chr16-3641280-C-T.
Other names: c.2359G>A (LRG_503t1); short protein forms E787K.
Identifiers: ClinVar variation 407938 (VCV000407938.69), dbSNP rs140600202, ClinGen allele CA7866169.